The following is an entry in ClinVar:

ClinVar aggregate classification (germline): Pathogenic/Likely pathogenic. Review status: criteria provided, multiple submitters, no conflicts (2 of 4 stars). 3 submissions from 3 submitters: Pathogenic (1); Likely pathogenic (1). 1 of the submissions does not count toward it. Last evaluated 2025-05-13.

Conditions:
Congenital hyperammonemia, type I. Also called: Carbamoyl phosphate synthetase I deficiency disease; CPS I DEFICIENCY; Carbamoyl phosphate synthetase 1 deficiency; Hyperammonemia due to carbamoyl phosphate synthetase 1 deficiency; CPS 1 deficiency; Carbamyl phosphate synthetase (CPS) deficiency. Identifiers: Orphanet 147, MedGen C4082171, MONDO:0009376, OMIM 237300.

Allele frequency attached by ClinVar (database versions not stated): gnomAD exomes below 0.00001; TOPMed below 0.00001.
gnomAD v4.1: 5 of 1,610,474 alleles (0.00031%); highest among the groups gnomAD compares: Non-Finnish European, 0.00042%; no homozygotes.

Submissions (3):

GeneDx
Classification: Likely pathogenic. Last evaluated: 2025-05-13. Review status: criteria provided, single submitter. Criteria: GeneDx Variant Classification Process June 2021. Collection method: clinical testing. Allele origin: germline.
Comment: Nonsense variant predicted to result in protein truncation or nonsense mediated decay in a gene for which loss of function is a known mechanism of disease; Not observed at significant frequency in large population cohorts (gnomAD); Has not been previously published as pathogenic or benign to our knowledge

Labcorp Genetics (formerly Invitae), Labcorp
Classification: Pathogenic for Congenital hyperammonemia, type I. Last evaluated: 2023-08-09. Review status: criteria provided, single submitter. Criteria: Invitae Variant Classification Sherloc (09022015). Collection method: clinical testing. Allele origin: germline.
Comment: For these reasons, this variant has been classified as Pathogenic. ClinVar contains an entry for this variant (Variation ID: 553982). This variant has not been reported in the literature in individuals affected with CPS1-related conditions. This variant is not present in population databases (gnomAD no frequency). This sequence change creates a premature translational stop signal (p.Ser396*) in the CPS1 gene. It is expected to result in an absent or disrupted protein product. Loss-of-function variants in CPS1 are known to be pathogenic (PMID: 21120950).

Counsyl
Classification: Likely pathogenic for Congenital hyperammonemia, type I. Last evaluated: 2017-10-05. Review status: no assertion criteria provided. Collection method: clinical testing. Allele origin: unknown. Not counted in ClinVar's aggregate classification.

Literature cited by the submitters: PubMed 21120950 (cited by Labcorp Genetics (formerly Invitae), Labcorp).

NM_001875.5(CPS1):c.1187C>A (p.Ser396Ter)

Gene: CPS1 (carbamoyl-phosphate synthase 1; plus strand). Cytogenetic location: 2q34.
Variant type: single nucleotide variant.
Coding change: c.1187C>A on transcript NM_001875.5 (MANE Select); coding-DNA position 1187, C replaced by A.
Protein change: p.Ser396Ter; replaces serine 396 with a stop codon.
Molecular consequence: nonsense. On other transcripts: non-coding transcript variant (2).
Genome position (GRCh38, 1-based): chr2:210,594,530, C>A. VCF-style: chr2-210594530-C-A. GRCh37 (hg19) VCF-style: chr2-211459254-C-A.
Other names: c.1187C>A (LRG_336t1); c.1187C>A, p.Ser396Ter (NM_001122633.3, NM_001369257.1); c.1220C>A, p.Ser407Ter (NM_001369256.1); short protein forms S396*, S407*.
Identifiers: ClinVar variation 553982 (VCV000553982.10), dbSNP rs961015305, ClinGen allele CA64751132.